The following is an entry in ClinVar:

NM_001271938.2(MEGF8):c.7785G>A (p.Arg2595=)

Gene: MEGF8 (multiple EGF like domains 8; plus strand). Cytogenetic location: 19q13.2.
Variant type: single nucleotide variant.
Coding change: c.7785G>A on transcript NM_001271938.2 (MANE Select); coding-DNA position 7785, G replaced by A.
Protein change: p.Arg2595=; no amino-acid change (arginine 2595 retained).
Molecular consequence: synonymous variant.
Genome position (GRCh38, 1-based): chr19:42,376,022, G>A. VCF-style: chr19-42376022-G-A. GRCh37 (hg19) VCF-style: chr19-42880174-G-A.
Other names: c.7584G>A, p.Arg2528= (NM_001410.3).
Identifiers: ClinVar variation 2650038 (VCV002650038.24), dbSNP rs374927201, ClinGen allele CA9476262.

ClinVar aggregate classification (germline): Likely benign (1 of 4 stars; one submission).

Allele frequency attached by ClinVar (database versions not stated): gnomAD 0.00001.
gnomAD v4.1: 15 of 1,605,034 alleles (0.00093%); highest among the groups gnomAD compares: Non-Finnish European, 0.00034%; no homozygotes.

Submission:

CeGaT Center for Human Genetics Tuebingen
Classification: Likely benign. Last evaluated: 2023-03-01. Review status: criteria provided, single submitter. Criteria: CeGaT Center For Human Genetics Tuebingen Variant Classification Criteria Version 2. Collection method: clinical testing. Allele origin: germline. Affected: yes. Observed: 1 variant allele.
Comment: MEGF8: BP4, BP7